The following is an entry in ClinVar:

NM_003334.4(UBA1):c.1427C>T (p.Ala476Val)

Gene: UBA1 (ubiquitin like modifier activating enzyme 1; plus strand). Cytogenetic location: Xp11.3.
Variant type: single nucleotide variant.
Coding change: c.1427C>T on transcript NM_003334.4 (MANE Select); coding-DNA position 1427, C replaced by T.
Protein change: p.Ala476Val; replaces alanine 476 with valine.
Molecular consequence: missense variant.
Genome position (GRCh38, 1-based): chrX:47,203,548, C>T. VCF-style: chrX-47203548-C-T. GRCh37 (hg19) VCF-style: chrX-47062947-C-T.
Other names: c.1469C>T, p.Ala490Val (NM_001440807.1); c.1445C>T, p.Ala482Val (NM_001440809.1, NM_001440810.1); c.1427C>T, p.Ala476Val (NM_001440811.1, NM_001440812.1, NM_153280.3); short protein forms A490V, A482V, A476V.
Identifiers: ClinVar variation 4770333 (VCV004770333.1).

ClinVar aggregate classification (germline): Uncertain significance (1 of 4 stars; one submission).

Conditions:
Infantile-onset X-linked spinal muscular atrophy. Also called: Spinal Muscular Atrophy, X-Linked Infantile; Spinal muscular atrophy, X-linked 2; AMC, DISTAL, X-LINKED; ARTHROGRYPOSIS, X-LINKED, TYPE I; SPINAL MUSCULAR ATROPHY, X-LINKED LETHAL INFANTILE. Identifiers: Orphanet 1145, MedGen C1844934, MONDO:0010532, OMIM 301830.

gnomAD v4.1: 3 of 1,208,651 alleles (0.00025%); highest among the groups gnomAD compares: Non-Finnish European, 0.00022%; no homozygotes.

Submission:

Labcorp Genetics (formerly Invitae), Labcorp
Classification: Uncertain significance for Infantile-onset X-linked spinal muscular atrophy. Last evaluated: 2025-04-25. Review status: criteria provided, single submitter. Criteria: Invitae Variant Classification Sherloc (09022015). Collection method: clinical testing. Allele origin: germline.
Comment: This sequence change replaces alanine, which is neutral and non-polar, with valine, which is neutral and non-polar, at codon 476 of the UBA1 protein (p.Ala476Val). This variant is present in population databases (no rsID available, gnomAD 0.01%), including at least one homozygous and/or hemizygous individual. This variant has not been reported in the literature in individuals affected with UBA1-related conditions. An algorithm developed to predict the effect of missense changes on protein structure and function (PolyPhen-2) suggests that this variant is likely to be disruptive. In summary, the available evidence is currently insufficient to determine the role of this variant in disease. Therefore, it has been classified as a Variant of Uncertain Significance.